The following is an entry in ClinVar:

NM_000545.8(HNF1A):c.766T>A (p.Ser256Thr)

Gene: HNF1A (HNF1 homeobox A; plus strand). Cytogenetic location: 12q24.31.
Variant type: single nucleotide variant.
Coding change: c.766T>A on transcript NM_000545.8 (MANE Select); coding-DNA position 766, T replaced by A.
Protein change: p.Ser256Thr; replaces serine 256 with threonine.
Molecular consequence: missense variant.
Genome position (GRCh38, 1-based): chr12:120,994,216, T>A. VCF-style: chr12-120994216-T-A. GRCh37 (hg19) VCF-style: chr12-121432019-T-A.
Other names: NM_001306179.1:c.766T>A; c.766T>A, p.Ser256Thr (NM_001306179.2); short protein forms S256T.
Identifiers: ClinVar variation 998237 (VCV000998237.12), dbSNP rs781711191, ClinGen allele CA6831829.

ClinVar aggregate classification (germline): Uncertain significance. Review status: reviewed by expert panel (3 of 4 stars). 2 submissions from 2 submitters: Uncertain significance (1). 1 of the submissions does not count toward it. Last evaluated 2026-04-28.

Conditions:
Monogenic diabetes. Identifiers: Orphanet 183625, MedGen C3888631, MONDO:0015967.

Allele frequency attached by ClinVar (database versions not stated): gnomAD 0.00001; gnomAD exomes 0.00002 and below 0.00001; TOPMed 0.00002; ExAC 0.00001.
gnomAD v4.1: 7 of 1,613,228 alleles (0.00043%); highest among the groups gnomAD compares: Non-Finnish European, 0.00059%; no homozygotes.

Submissions (2):

ClinGen Monogenic Diabetes Variant Curation Expert Panel
Classification: Uncertain significance for Monogenic diabetes. Last evaluated: 2026-04-28. Review status: reviewed by expert panel. Criteria: ClinGen Diabetes ACMG Specifications HNF1A V3.1.0. Collection method: curation. Allele origin: germline. Inheritance: Autosomal dominant inheritance.
Comment: The c.766T>A variant in the HNF1 homeobox A gene, HNF1A, causes an amino acid change of serine to threonine at codon 256 (p.Ser256Thr) of NM_000545.8. This variant is located within a conserved region of the DNA binding domain (codons 107-174 and 201-280) of HNF1A, which is defined as critical for the protein’s function by the ClinGen MDEP (PM1_Supporting). The Grpmax filtering allele frequency of the c.766T>A variant in gnomAD v4.1.0 is 0.00000247, which is below the ClinGen MDEP-established cutoffs for PM2_Supporting (0.000003) (PM2_Supporting). Additionally, this variant is predicted to be deleterious by computational evidence, with a REVEL score of 0.782, which is greater than the MDEP VCEP threshold of 0.70 (PP3). Functional studies demonstrated the p.Ser256Thr protein has DNA binding above 50% of wild type and normal nuclear localization and transactivation, indicating that this variant does not impact protein function (BS3_Supporting; PMID: 12574234). This variant was identified in 16 unrelated individuals with non-autoimmune and non-absolute/near-absolute insulin-deficient diabetes (PS4; PMID: 12574234, internal lab contributors). This variant segregated with diabetes with three informative meioses in three families (PP1_Moderate; internal lab contributors). Two of these individuals had a calculated MODY probability <50%, and the MODY probability could not be calculated in the other individuals due to limited clinical information, and so PP4 could not be applied. This variant was also identified in four normoglycemic individual >70 years old, and the expected penetrance for HNF1A-MODY is 95% by age 70 (BS2; internal lab contributors). In summary, c.766T>A meets the criteria to be classified as a variant of uncertain significance for monogenic diabetes. ACMG/AMP criteria applied, as specified by the ClinGen MDEP (specification version 3.1.0, approved 10/10/2025): PS4, PM2_Supporting, PP1_Moderate, PM1_Supporting, PP3, BS3_Supporting, BS2.

Labcorp Genetics (formerly Invitae), Labcorp
Classification: Uncertain significance. Last evaluated: 2025-12-15. Review status: criteria provided, single submitter. Criteria: Invitae Variant Classification Sherloc (09022015). Collection method: clinical testing. Allele origin: germline. Not counted in ClinVar's aggregate classification.
Comment: This sequence change replaces serine, which is neutral and polar, with threonine, which is neutral and polar, at codon 256 of the HNF1A protein (p.Ser256Thr). This variant is present in population databases (rs781711191, gnomAD 0.004%). This missense change has been observed in individual(s) with clinical features of maturity-onset diabetes of the young (MODY) (PMID: 12574234, 33046911). ClinVar contains an entry for this variant (Variation ID: 998237). Invitae Evidence Modeling of protein sequence and biophysical properties (such as structural, functional, and spatial information, amino acid conservation, physicochemical variation, residue mobility, and thermodynamic stability) indicates that this missense variant is not expected to disrupt HNF1A protein function with a negative predictive value of 80%. Experimental studies have shown that this missense change does not substantially affect HNF1A function (PMID: 12574234). In summary, the available evidence is currently insufficient to determine the role of this variant in disease. Therefore, it has been classified as a Variant of Uncertain Significance.

Literature cited by the submitters: PubMed 12574234 (cited by ClinGen Monogenic Diabetes Variant Curation Expert Panel and Labcorp Genetics (formerly Invitae), Labcorp); PubMed 33046911 (cited by Labcorp Genetics (formerly Invitae), Labcorp).